The following is an entry in ClinVar:

ClinVar aggregate classification (germline): Uncertain significance (1 of 4 stars; one submission).

Conditions:
Catecholaminergic polymorphic ventricular tachycardia 1. Also called: RYR2-Related Catecholaminergic Polymorphic Ventricular Tachycardia; VENTRICULAR TACHYCARDIA, STRESS-INDUCED POLYMORPHIC 1; VENTRICULAR TACHYCARDIA, CATECHOLAMINERGIC POLYMORPHIC, 1, WITH OR WITHOUT ATRIAL DYSFUNCTION AND/OR DILATED CARDIOMYOPATHY. Identifiers: Orphanet 3286, MedGen C1631597, MONDO:0011484, OMIM 604772.

Submission:

Labcorp Genetics (formerly Invitae), Labcorp
Classification: Uncertain significance for Catecholaminergic polymorphic ventricular tachycardia 1. Last evaluated: 2021-08-09. Review status: criteria provided, single submitter. Criteria: Invitae Variant Classification Sherloc (09022015). Collection method: clinical testing. Allele origin: germline.
Comment: In summary, the available evidence is currently insufficient to determine the role of this variant in disease. Therefore, it has been classified as a Variant of Uncertain Significance. Advanced modeling of protein sequence and biophysical properties (such as structural, functional, and spatial information, amino acid conservation, physicochemical variation, residue mobility, and thermodynamic stability) performed at Invitae indicates that this missense variant is not expected to disrupt RYR2 protein function. This variant has not been reported in the literature in individuals affected with RYR2-related conditions. This variant is not present in population databases (ExAC no frequency). This sequence change replaces lysine with threonine at codon 1887 of the RYR2 protein (p.Lys1887Thr). The lysine residue is highly conserved and there is a moderate physicochemical difference between lysine and threonine.

NM_001035.3(RYR2):c.5660A>C (p.Lys1887Thr)

Gene: RYR2 (ryanodine receptor 2; plus strand). Cytogenetic location: 1q43.
Variant type: single nucleotide variant.
Coding change: c.5660A>C on transcript NM_001035.3 (MANE Select); coding-DNA position 5660, A replaced by C.
Protein change: p.Lys1887Thr; replaces lysine 1887 with threonine.
Molecular consequence: missense variant.
Genome position (GRCh38, 1-based): chr1:237,614,788, A>C. VCF-style: chr1-237614788-A-C. GRCh37 (hg19) VCF-style: chr1-237778088-A-C.
Other names: short protein forms K1887T.
Identifiers: ClinVar variation 1414908 (VCV001414908.45), dbSNP rs1415979370, ClinGen allele CA345405691.